The following is an entry in ClinVar:

NM_001848.3(COL6A1):c.2437AAG[1] (p.Lys814del)

Gene: COL6A1 (collagen type VI alpha 1 chain; plus strand). Cytogenetic location: 21q22.3.
Variant type: Microsatellite.
Coding change: c.2437AAG[1] on transcript NM_001848.3 (MANE Select); one copy of the 3-base unit AAG starting at c.2437; the reference has two copies in a row; one copy, 3 bases deleted.
Protein change: p.Lys814del; deletes lysine 814.
Genome position (GRCh38, 1-based): chr21:46,003,125-46,003,127, AAG deleted; deleting any 3 consecutive bases within chr21:46,003,122-46,003,127 gives the same sequence; the position shown is the placement nearest the transcript's 3' end. VCF-style (leftmost placement, unchanged base first): chr21-46003121-CAAG-C. GRCh37 (hg19) VCF-style: chr21-47423035-CAAG-C.
Other names: short protein forms K814del.
Identifiers: ClinVar variation 3690241 (VCV003690241.2).
Genomic context (GRCh38, chr21:46,003,121, plus strand): 5'-CCTTGCGGGGTTATAGGTGGAGCAGTGGGCTCACACTGCACGGCTTTTCTCTTTTACAGA[CAAG>C]AAGTGTCCAGATTACACCTGCCCCAGTGAGTACCTCGGCGGCCGGGACACGTGGGGAGGA-3'

ClinVar aggregate classification (germline): Uncertain significance (1 of 4 stars; one submission).

Conditions:
Bethlem myopathy 1A. Also called: MYOPATHY, BENIGN CONGENITAL, WITH CONTRACTURES; Bethlem myopathy 1; Bethlem Muscular Dystrophy. Identifiers: Orphanet 610, MedGen CN029274, MONDO:0024530, OMIM 158810.

Submission:

Labcorp Genetics (formerly Invitae), Labcorp
Classification: Uncertain significance for Bethlem myopathy 1A. Last evaluated: 2024-02-02. Review status: criteria provided, single submitter. Criteria: Invitae Variant Classification Sherloc (09022015). Collection method: clinical testing. Allele origin: germline.
Comment: This variant, c.2440_2442del, results in the deletion of 1 amino acid(s) of the COL6A1 protein (p.Lys814del), but otherwise preserves the integrity of the reading frame. This variant is not present in population databases (gnomAD no frequency). This variant has not been reported in the literature in individuals affected with COL6A1-related conditions. Experimental studies and prediction algorithms are not available or were not evaluated, and the functional significance of this variant is currently unknown. In summary, the available evidence is currently insufficient to determine the role of this variant in disease. Therefore, it has been classified as a Variant of Uncertain Significance.